The following is an entry in ClinVar:

ClinVar aggregate classification (germline): Uncertain significance (1 of 4 stars; one submission).

Conditions:
Paroxysmal nonkinesigenic dyskinesia. Also called: Paroxysmal non-kinesigenic dyskinesia. Identifiers: Orphanet 98810, MedGen C1869117, MONDO:0700088.

Allele frequency attached by ClinVar (database versions not stated): TOPMed below 0.00001; gnomAD 0.00001.

Submission:

Labcorp Genetics (formerly Invitae), Labcorp
Classification: Uncertain significance for Paroxysmal nonkinesigenic dyskinesia. Last evaluated: 2025-09-27. Review status: criteria provided, single submitter. Criteria: Invitae Variant Classification Sherloc (09022015). Collection method: clinical testing. Allele origin: germline.
Comment: This sequence change replaces proline, which is neutral and non-polar, with serine, which is neutral and polar, at codon 47 of the PNKD protein (p.Pro47Ser). This variant is not present in population databases (gnomAD no frequency). This variant has not been reported in the literature in individuals affected with PNKD-related conditions. ClinVar contains an entry for this variant (Variation ID: 1466289). An algorithm developed to predict the effect of missense changes on protein structure and function outputs the following: PolyPhen-2: "Possibly Damaging". The serine amino acid residue is found in multiple mammalian species, which suggests that this missense change does not adversely affect protein function. In summary, the available evidence is currently insufficient to determine the role of this variant in disease. Therefore, it has been classified as a Variant of Uncertain Significance.

NM_015488.5(PNKD):c.139C>T (p.Pro47Ser)

Gene: PNKD (PNKD metallo-beta-lactamase domain containing; plus strand). Cytogenetic location: 2q35.
Variant type: single nucleotide variant.
Coding change: c.139C>T on transcript NM_015488.5 (MANE Select); coding-DNA position 139, C replaced by T.
Protein change: p.Pro47Ser; replaces proline 47 with serine.
Molecular consequence: missense variant.
Genome position (GRCh38, 1-based): chr2:218,271,452, C>T. VCF-style: chr2-218271452-C-T. GRCh37 (hg19) VCF-style: chr2-219136175-C-T.
Other names: c.139C>T, p.Pro47Ser (NM_001077399.3); short protein forms P47S.
Identifiers: ClinVar variation 1466289 (VCV001466289.8), dbSNP rs999745118, ClinGen allele CA65747609.